The following is an entry in ClinVar:

NM_017841.4(SDHAF2):c.20T>C (p.Phe7Ser)

Gene: SDHAF2 (succinate dehydrogenase complex assembly factor 2; plus strand). Cytogenetic location: 11q12.2.
Variant type: single nucleotide variant.
Coding change: c.20T>C on transcript NM_017841.4 (MANE Select); coding-DNA position 20, T replaced by C.
Protein change: p.Phe7Ser; replaces phenylalanine 7 with serine.
Molecular consequence: missense variant.
Genome position (GRCh38, 1-based): chr11:61,430,166, T>C. VCF-style: chr11-61430166-T-C. GRCh37 (hg19) VCF-style: chr11-61197638-T-C.
Other names: short protein forms F7S.
Identifiers: ClinVar variation 2625578 (VCV002625578.2), dbSNP rs1311192006, ClinGen allele CA380680170.

ClinVar aggregate classification (germline): Uncertain significance (1 of 4 stars; one submission).

Conditions:
Hereditary cancer-predisposing syndrome. Also called: Tumor predisposition; Hereditary Cancer Syndrome; Hereditary neoplastic syndrome; Neoplastic Syndromes, Hereditary. Identifiers: Orphanet 140162, MedGen C0027672, MeSH D009386, MONDO:0015356.

Submission:

Ambry Genetics
Classification: Uncertain significance for Hereditary cancer-predisposing syndrome. Last evaluated: 2023-07-15. Review status: criteria provided, single submitter. Criteria: Ambry Variant Classification Scheme 2023. Collection method: clinical testing. Allele origin: germline.
Comment: The p.F7S variant (also known as c.20T>C), located in coding exon 1 of the SDHAF2 gene, results from a T to C substitution at nucleotide position 20. The phenylalanine at codon 7 is replaced by serine, an amino acid with highly dissimilar properties. This amino acid position is conserved. In addition, this alteration is predicted to be tolerated by in silico analysis. Since supporting evidence is limited at this time, the clinical significance of this alteration remains unclear.